The following is an entry in ClinVar:

ClinVar aggregate classification (germline): Benign/Likely benign. Review status: criteria provided, multiple submitters, no conflicts (2 of 4 stars). 3 submissions from 3 submitters: Benign (2); Likely benign (1). Last evaluated 2022-03-08.

Conditions:
Cancer, alopecia, pigment dyscrasia, onychodystrophy, and keratoderma (CAPOK). Also called: CAPOK SYNDROME. Identifiers: MedGen C5193062, OMIM 618373.
Dyschromatosis universalis hereditaria 1 (DUH1). Identifiers: MedGen C2675711, MONDO:0024524, OMIM 127500.

Allele frequency attached by ClinVar (database versions not stated): ESP Exome Variant Server 0.00046; gnomAD 0.00569 and 0.00576; 1000 Genomes Project 30x 0.00687; 1000 Genomes Project 0.00739; TOPMed 0.00974.
gnomAD v4.1: 4,267 of 1,607,996 alleles (0.27%); highest among the groups gnomAD compares: Admixed American, 6.2%; 121 homozygotes.

Submissions (3):

Fulgent Genetics
Classification: Likely benign for Dyschromatosis universalis hereditaria 1; Cancer, alopecia, pigment dyscrasia, onychodystrophy, and keratoderma. Last evaluated: 2022-03-08. Review status: criteria provided, single submitter. Criteria: ACMG Guidelines, 2015. Collection method: clinical testing. Allele origin: unknown.

GeneDx
Classification: Benign. Last evaluated: 2020-04-30. Review status: criteria provided, single submitter. Criteria: GeneDx Variant Classification Process June 2021. Collection method: clinical testing. Allele origin: germline. Affected: yes.
Comment: This variant is associated with the following publications: (PMID: 31453292)

Labcorp Genetics (formerly Invitae), Labcorp
Classification: Benign. Last evaluated: 2019-12-31. Review status: criteria provided, single submitter. Criteria: Invitae Variant Classification Sherloc (09022015). Collection method: clinical testing. Allele origin: germline.

NM_015278.5(SASH1):c.3266G>A (p.Arg1089Gln)

Gene: SASH1 (SAM and SH3 domain containing 1; plus strand). Cytogenetic location: 6q25.1.
Variant type: single nucleotide variant.
Coding change: c.3266G>A on transcript NM_015278.5 (MANE Select); coding-DNA position 3266, G replaced by A.
Protein change: p.Arg1089Gln; replaces arginine 1089 with glutamine.
Molecular consequence: missense variant.
Genome position (GRCh38, 1-based): chr6:148,544,736, G>A. VCF-style: chr6-148544736-G-A. GRCh37 (hg19) VCF-style: chr6-148865872-G-A.
Other names: c.3131G>A, p.Arg1044Gln (NM_001346505.2); c.2894G>A, p.Arg965Gln (NM_001346506.2); c.2549G>A, p.Arg850Gln (NM_001346507.2); c.3038G>A, p.Arg1013Gln (NM_001346508.2); c.2915G>A, p.Arg972Gln (NM_001346509.2); short protein forms R1044Q, R850Q, R965Q, R972Q, R1013Q, R1089Q.
Identifiers: ClinVar variation 783757 (VCV000783757.7), dbSNP rs75149315, ClinGen allele CA4040807.